The following is an entry in ClinVar:

NM_015450.3(POT1):c.1477C>G (p.Leu493Val)

Gene: POT1 (protection of telomeres 1; minus strand). Cytogenetic location: 7q31.33.
Variant type: single nucleotide variant.
Coding change: c.1477C>G on transcript NM_015450.3 (MANE Select); coding-DNA position 1477, C replaced by G.
Protein change: p.Leu493Val; replaces leucine 493 with valine.
Molecular consequence: missense variant. On other transcripts: non-coding transcript variant (3).
Genome position (GRCh38, 1-based): chr7:124,835,307, G>C on the plus strand (C>G on the coding strand, the complement: POT1 is on the minus strand). VCF-style: chr7-124835307-G-C. GRCh37 (hg19) VCF-style: chr7-124475361-G-C.
Other names: c.1084C>G, p.Leu362Val (NM_001042594.2); short protein forms L493V, L362V.
Identifiers: ClinVar variation 4842625 (VCV004842625.1).

ClinVar aggregate classification (germline): Uncertain significance (1 of 4 stars; one submission).

Conditions:
Hereditary cancer-predisposing syndrome. Also called: Neoplastic Syndromes, Hereditary; Tumor predisposition; Hereditary Cancer Syndrome; Hereditary neoplastic syndrome. Identifiers: Orphanet 140162, MedGen C0027672, MeSH D009386, MONDO:0015356.

Submission:

Ambry Genetics
Classification: Uncertain significance for Hereditary cancer-predisposing syndrome. Last evaluated: 2025-12-19. Review status: criteria provided, single submitter. Criteria: Ambry Variant Classification Scheme 2023. Collection method: clinical testing. Allele origin: germline.
Comment: The p.L493V variant (also known as c.1477C>G), located in coding exon 11 of the POT1 gene, results from a C to G substitution at nucleotide position 1477. The leucine at codon 493 is replaced by valine, an amino acid with highly similar properties. This amino acid position is conserved. In addition, this alteration is predicted to be tolerated by in silico analysis. Based on the available evidence, the clinical significance of this variant remains unclear.